The following is an entry in ClinVar:

ClinVar aggregate classification (germline): Conflicting classifications of pathogenicity. Review status: criteria provided, conflicting classifications (1 of 4 stars). 8 submissions from 8 submitters: Uncertain significance (3); Benign (1); Likely benign (1). 3 of the submissions do not count toward it. Last evaluated 2026-01-12.

Conditions:
3-methylglutaconic aciduria type 1 (MGCA1). Identifiers: Orphanet 67046, MedGen C0342727, MONDO:0009610, OMIM 250950.

Allele frequency attached by ClinVar (database versions not stated): ESP Exome Variant Server 0.00046; gnomAD exomes 0.00097 and 0.00201; gnomAD 0.00125 and 0.00139; TOPMed 0.00137; 1000 Genomes Project 0.00140; ExAC 0.00168; 1000 Genomes Project 30x 0.00187.
gnomAD v4.1: 1,735 of 1,613,526 alleles (0.11%); highest among the groups gnomAD compares: Middle Eastern, 0.48%; 8 homozygotes.

Submissions (8):

Labcorp Genetics (formerly Invitae), Labcorp
Classification: Likely benign for 3-methylglutaconic aciduria type 1. Last evaluated: 2026-01-12. Review status: criteria provided, single submitter. Criteria: Invitae Variant Classification Sherloc (09022015). Collection method: clinical testing. Allele origin: germline.

Elsea Laboratory, Baylor College of Medicine
Classification: Uncertain significance for 3-methylglutaconic aciduria type 1. Last evaluated: 2020-04-01. Review status: criteria provided, single submitter. Criteria: ACMG Guidelines, 2015. Collection method: clinical testing. Allele origin: germline. Affected: no.

GeneDx
Classification: Benign. Last evaluated: 2018-06-25. Review status: criteria provided, single submitter. Criteria: GeneDx Variant Classification Process June 2021. Collection method: clinical testing. Allele origin: germline. Affected: yes.

Illumina Laboratory Services, Illumina
Classification: Uncertain significance for 3-methylglutaconic aciduria type 1. Last evaluated: 2018-01-13. Review status: criteria provided, single submitter. Criteria: ICSL Variant Classification Criteria 13 December 2019. Collection method: clinical testing. Allele origin: germline.

CeGaT Center for Human Genetics Tuebingen
Classification: Uncertain significance. Last evaluated: 2016-12-01. Review status: criteria provided, single submitter. Criteria: CeGaT Center For Human Genetics Tuebingen Variant Classification Criteria Version 2. Collection method: clinical testing. Allele origin: germline. Affected: yes. Observed: 1 variant allele.

Clinical Genetics DNA and cytogenetics Diagnostics Lab, Erasmus MC, Erasmus Medical Center
Classification: Uncertain significance. Review status: no assertion criteria provided. Collection method: clinical testing. Allele origin: germline. Affected: yes. Study: VKGL Data-share Consensus. Not counted in ClinVar's aggregate classification.

Department of Pathology and Laboratory Medicine, Sinai Health System
Classification: Likely benign. Review status: no assertion criteria provided. Collection method: clinical testing. Allele origin: unknown. Affected: yes. Study: The Canadian Open Genetics Repository (COGR). Not counted in ClinVar's aggregate classification.
Comment: The AUH p.I127M variant was not identified in the literature but was identified in dbSNP (ID: rs146227896) and ClinVar (classified as uncertain significance by GeneDx, Illumina, CeGaT Praxis and Elsea Laboratory, Baylor College of Medicine; and as likely benign by Invitae). The variant was identified in control databases in 518 of 282744 chromosomes (5 homozygous) at a frequency of 0.001832 (Genome Aggregation Database March 6, 2019, v2.1.1). The p.I127 residue is conserved in mammals and computational analyses (MUT Assesor, PolyPhen-2, SIFT, MutationTaster, Revel, FATHMM, MetaLR, DANN) provide inconsistent predictions regarding the impact to the protein; this information is not very predictive of pathogenicity. The variant occurs outside of the splicing consensus sequence and in silico or computational prediction software programs (Splice AI exome) do not predict a deleterious effect on splicing. In summary, based on the above information the clinical significance of this variant cannot be determined with certainty at this time although we would lean towards a more benign role for this variant. This variant is classified as likely benign.

Laboratory of Diagnostic Genome Analysis, Leiden University Medical Center (LUMC)
Classification: Uncertain significance. Review status: no assertion criteria provided. Collection method: clinical testing. Allele origin: germline. Affected: yes. Study: VKGL Data-share Consensus. Not counted in ClinVar's aggregate classification.

NM_001698.3(AUH):c.381A>G (p.Ile127Met)

Gene: AUH (AU RNA binding methylglutaconyl-CoA hydratase; minus strand). Cytogenetic location: 9q22.31.
Variant type: single nucleotide variant.
Coding change: c.381A>G on transcript NM_001698.3 (MANE Select); coding-DNA position 381, A replaced by G.
Protein change: p.Ile127Met; replaces isoleucine 127 with methionine.
Molecular consequence: missense variant.
Genome position (GRCh38, 1-based): chr9:91,355,920, T>C on the plus strand (A>G on the coding strand, the complement: AUH is on the minus strand). VCF-style: chr9-91355920-T-C. GRCh37 (hg19) VCF-style: chr9-94118202-T-C.
Other names: p.I127M:ATA>ATG; c.381A>G, p.Ile127Met (NM_001306190.2); c.54A>G, p.Ile18Met (NM_001351431.2, NM_001351432.2, NM_001351433.2); short protein forms I127M, I18M.
Identifiers: ClinVar variation 214153 (VCV000214153.96), dbSNP rs146227896, ClinGen allele CA324949.
Genomic context (GRCh38, chr9:91,355,920, plus strand): 5'-CATAATACAACATATTTACATACCAGCACAGAATATCCCTGGGACTTCACTCCTGATTAT[T>C]ATGGTCCGTACTTTCTTATCAGATTTCAAAGCATCCACAGCTTTTGATAGCTAAACAGAA-3'
Protein context (NP_001689.1, residues 117-137): ALKSDKKVRT[Ile127Met]IIRSEVPGIF